The following is an entry in ClinVar:

ClinVar aggregate classification (germline): Uncertain significance. Review status: criteria provided, multiple submitters, no conflicts (2 of 4 stars). 2 submissions from 2 submitters: Uncertain significance (2). Last evaluated 2024-11-12.

Conditions:
Caused by mutation in the TBC1 domain family, member 24.
Developmental and epileptic encephalopathy, 1 (DEE1). Also called: X-linked infantile spasms; West's syndrome; Tonic spasms with clustering, arrest of psychomotor development and hypsarrhythmia on EEG; X-Linked Infantile Spasm Syndrome; OHTAHARA SYNDROME, X-LINKED; INFANTILE SPASM SYNDROME, X-LINKED 1. Identifiers: MedGen C3463992, MONDO:0010632, OMIM 308350. Disease mechanism: loss of function.
Autosomal dominant nonsyndromic hearing loss 65. Also called: Deafness, autosomal dominant 65; TBC1D24-Related Autosomal Dominant Nonsyndromic Hearing Loss (DFNA). Identifiers: Orphanet 90635, MedGen C3892048, MONDO:0014470, OMIM 616044.

Allele frequency attached by ClinVar (database versions not stated): gnomAD 0.00001; gnomAD exomes 0.00004; TOPMed below 0.00001.
gnomAD v4.1: 60 of 1,610,550 alleles (0.0037%); highest among the groups gnomAD compares: East Asian, 0.13%; no homozygotes.

Submissions (2):

GeneDx
Classification: Uncertain significance. Last evaluated: 2024-11-12. Review status: criteria provided, single submitter. Criteria: GeneDx Variant Classification Process June 2021. Collection method: clinical testing. Allele origin: germline. Affected: yes.
Comment: In silico analysis supports that this missense variant has a deleterious effect on protein structure/function; Has not been previously published as pathogenic or benign to our knowledge

Labcorp Genetics (formerly Invitae), Labcorp
Classification: Uncertain significance for Developmental and epileptic encephalopathy, 1; Autosomal dominant nonsyndromic hearing loss 65. Last evaluated: 2022-10-13. Review status: criteria provided, single submitter. Criteria: Invitae Variant Classification Sherloc (09022015). Collection method: clinical testing. Allele origin: germline.
Comment: This sequence change replaces glutamic acid, which is acidic and polar, with glycine, which is neutral and non-polar, at codon 153 of the TBC1D24 protein (p.Glu153Gly). This variant is present in population databases (no rsID available, gnomAD 0.02%). This variant has not been reported in the literature in individuals affected with TBC1D24-related conditions. Advanced modeling of protein sequence and biophysical properties (such as structural, functional, and spatial information, amino acid conservation, physicochemical variation, residue mobility, and thermodynamic stability) performed at Invitae indicates that this missense variant is not expected to disrupt TBC1D24 protein function. This variant disrupts the p.Glu153 amino acid residue in TBC1D24. Other variant(s) that disrupt this residue have been determined to be pathogenic (PMID: 25769375, 26371875, 28428906). This suggests that this residue is clinically significant, and that variants that disrupt this residue are likely to be disease-causing. In summary, the available evidence is currently insufficient to determine the role of this variant in disease. Therefore, it has been classified as a Variant of Uncertain Significance.

Literature cited by the submitters: PubMed 25769375 (cited by Labcorp Genetics (formerly Invitae), Labcorp); PubMed 26371875 (cited by Labcorp Genetics (formerly Invitae), Labcorp); PubMed 28428906 (cited by Labcorp Genetics (formerly Invitae), Labcorp).

NM_001199107.2(TBC1D24):c.458A>G (p.Glu153Gly)

Gene: TBC1D24 (TBC1 domain family member 24; plus strand). Cytogenetic location: 16p13.3.
Variant type: single nucleotide variant.
Coding change: c.458A>G on transcript NM_001199107.2 (MANE Select); coding-DNA position 458, A replaced by G.
Protein change: p.Glu153Gly; replaces glutamic acid 153 with glycine.
Molecular consequence: missense variant.
Genome position (GRCh38, 1-based): chr16:2,496,606, A>G. VCF-style: chr16-2496606-A-G. GRCh37 (hg19) VCF-style: chr16-2546607-A-G.
Other names: c.458A>G (NM_001199107.1); c.458A>G, p.Glu153Gly (NM_020705.3); short protein forms E153G.
Identifiers: ClinVar variation 2066509 (VCV002066509.2), dbSNP rs1424074905, ClinGen allele CA394376092.
Genomic context (GRCh38, chr16:2,496,606, plus strand): 5'-CCCTGCCGGCCGTGGTGGCCCTGCTGCTGCACTACAGCATCGACGAGGCCGAGTGCTTCG[A>G]GAAGGCCTGCCGCATCCTGGCCTGCAATGACCCCGGCAGGAGGCTGATCGACCAGAGCTT-3'
Protein context (NP_001186036.1, residues 143-163): HYSIDEAECF[Glu153Gly]KACRILACND